The following is an entry in ClinVar:

ClinVar aggregate classification (germline): Likely pathogenic (1 of 4 stars; one submission).

Conditions:
ALG1-congenital disorder of glycosylation. Also called: CONGENITAL DISORDER OF GLYCOSYLATION, TYPE Ik; CDG Ik; ALG1-CDG. Identifiers: Orphanet 79327, MedGen C2931005, MONDO:0012052, OMIM 608540.

Allele frequency attached by ClinVar (database versions not stated): gnomAD exomes below 0.00001.
gnomAD v4.1: 1 of 1,611,994 alleles (0.000062%); highest among the groups gnomAD compares: Admixed American, 0.0017%; no homozygotes.

Submission:

Labcorp Genetics (formerly Invitae), Labcorp
Classification: Likely pathogenic for ALG1-congenital disorder of glycosylation. Last evaluated: 2026-02-03. Review status: criteria provided, single submitter. Criteria: Invitae Variant Classification Sherloc (09022015). Collection method: clinical testing. Allele origin: germline.
Comment: This sequence change affects an acceptor splice site in intron 10 of the ALG1 gene. It is expected to disrupt RNA splicing. Variants that disrupt the donor or acceptor splice site typically lead to a loss of protein function (PMID: 16199547), and loss-of-function variants in ALG1 are known to be pathogenic (PMID: 20679665, 23806237). This variant is present in population databases (no rsID available, gnomAD 0.1%). This variant has not been reported in the literature in individuals affected with ALG1-related conditions. ClinVar contains an entry for this variant (Variation ID: 2723673). Algorithms developed to predict the effect of sequence changes on RNA splicing suggest that this variant may disrupt the consensus splice site. In summary, the currently available evidence indicates that the variant is pathogenic, but additional data are needed to prove that conclusively. Therefore, this variant has been classified as Likely Pathogenic.

Literature cited by the submitters: PubMed 16199547; PubMed 20679665; PubMed 23806237.

NM_019109.5(ALG1):c.1073-1G>A

Gene: ALG1 (ALG1 chitobiosyldiphosphodolichol beta-mannosyltransferase; plus strand). Cytogenetic location: 16p13.3.
Variant type: single nucleotide variant.
Coding change: c.1073-1G>A on transcript NM_019109.5 (MANE Select); the canonical splice acceptor site of the intron before coding-DNA position 1073, G replaced by A.
Molecular consequence: splice acceptor variant.
Genome position (GRCh38, 1-based): chr16:5,082,558, G>A. VCF-style: chr16-5082558-G-A. GRCh37 (hg19) VCF-style: chr16-5132559-G-A.
Other names: c.740-1G>A (NM_001330504.2).
Identifiers: ClinVar variation 2723673 (VCV002723673.4), dbSNP rs781435590, ClinGen allele CA394673699.